The following is an entry in ClinVar:

ClinVar aggregate classification (germline): Uncertain significance. Review status: criteria provided, multiple submitters, no conflicts (2 of 4 stars). 2 submissions from 2 submitters: Uncertain significance (2). Last evaluated 2022-11-02.

gnomAD v4.1: 1 of 1,613,760 alleles (0.000062%); highest among the groups gnomAD compares: Non-Finnish European, 0.000085%; no homozygotes.

Submissions (2):

Blueprint Genetics
Classification: Uncertain significance. Last evaluated: 2022-11-02. Review status: criteria provided, single submitter. Criteria: ACMG Guidelines, 2015. Collection method: clinical testing. Allele origin: germline.

Labcorp Genetics (formerly Invitae), Labcorp
Classification: Uncertain significance. Last evaluated: 2022-02-05. Review status: criteria provided, single submitter. Criteria: Invitae Variant Classification Sherloc (09022015). Collection method: clinical testing. Allele origin: germline.
Comment: This sequence change replaces tyrosine, which is neutral and polar, with histidine, which is basic and polar, at codon 369 of the EFEMP1 protein (p.Tyr369His). This variant is not present in population databases (gnomAD no frequency). This variant has not been reported in the literature in individuals affected with EFEMP1-related conditions. ClinVar contains an entry for this variant (Variation ID: 964632). Algorithms developed to predict the effect of missense changes on protein structure and function (SIFT, PolyPhen-2, Align-GVGD) all suggest that this variant is likely to be disruptive. In summary, the available evidence is currently insufficient to determine the role of this variant in disease. Therefore, it has been classified as a Variant of Uncertain Significance.

NM_001039348.3(EFEMP1):c.1105T>C (p.Tyr369His)

Gene: EFEMP1 (EGF-like fibulin extracellular matrix protein 1; minus strand). Cytogenetic location: 2p16.1.
Variant type: single nucleotide variant.
Coding change: c.1105T>C on transcript NM_001039348.3 (MANE Select); coding-DNA position 1105, T replaced by C.
Protein change: p.Tyr369His; replaces tyrosine 369 with histidine.
Molecular consequence: missense variant.
Genome position (GRCh38, 1-based): chr2:55,871,019, A>G on the plus strand (T>C on the coding strand, the complement: EFEMP1 is on the minus strand). VCF-style: chr2-55871019-A-G. GRCh37 (hg19) VCF-style: chr2-56098154-A-G.
Other names: c.1105T>C, p.Tyr369His (NM_001039349.3); short protein forms Y369H.
Identifiers: ClinVar variation 964632 (VCV000964632.10), dbSNP rs1668787289, ClinGen allele CA347028286.
Genomic context (GRCh38, chr2:55,871,019, plus strand): 5'-ACCAGAAAATCCTCACTTTCAAAAGTTCTGATTTTTCTTACTTCTCTGGTGTTAGAATGT[A>G]GGGATCTTGACAAGGATTTCGTGGATAACAACGGAAGCCGCCATGATAATTCCAACACAT-3'
Protein context (NP_001034437.1, residues 359-379): CYPRNPCQDP[Tyr369His]ILTPENRCVC